The following is an entry in ClinVar:

ClinVar aggregate classification (germline): Uncertain significance (1 of 4 stars; one submission).

Conditions:
Myopathy, myofibrillar, 9, with early respiratory failure (MFM9). Also called: MYOPATHY, PROXIMAL, WITH EARLY RESPIRATORY MUSCLE INVOLVEMENT; Hereditary myopathy with early respiratory failure; Myopathy, distal, with early respiratory failure, autosomal dominant; EDSTROM MYOPATHY. Identifiers: Orphanet 178464, Orphanet 34521, MedGen C1863599, MONDO:0011362, OMIM 603689.
Dilated cardiomyopathy 1G (CMD1G). Identifiers: Orphanet 154, MedGen C1858763, MONDO:0011400, OMIM 604145.
Early-onset myopathy with fatal cardiomyopathy (CMYO5). Also called: Salih Myopathy; CONGENITAL MYOPATHY 5 WITH CARDIOMYOPATHY. Identifiers: Orphanet 289377, MedGen C2673677, MONDO:0012714, OMIM 611705. Disease mechanism: loss of function.
Tibial muscular dystrophy (TMD). Also called: Udd Distal Myopathy – Tibial Muscular Dystrophy; Tibial muscular dystrophy, tardive; UDD MYOPATHY. Identifiers: Orphanet 609, MedGen C1838244, MONDO:0010870, OMIM 600334.
Hypertrophic cardiomyopathy 9. Also called: Familial hypertrophic cardiomyopathy 9. Identifiers: MedGen C1861065, MONDO:0013412, OMIM 613765.
Autosomal recessive limb-girdle muscular dystrophy type 2J (LGMDR10). Also called: Limb-girdle muscular dystrophy, type 2J; MUSCULAR DYSTROPHY, LIMB-GIRDLE, AUTOSOMAL RECESSIVE 10. Identifiers: Orphanet 140922, MedGen C1837342, MONDO:0012127, OMIM 608807.

Submission:

Juno Genomics, Hangzhou Juno Genomics, Inc
Classification: Uncertain significance for Early-onset myopathy with fatal cardiomyopathy; Hypertrophic cardiomyopathy 9; Myopathy, myofibrillar, 9, with early respiratory failure; Tibial muscular dystrophy; Dilated cardiomyopathy 1G; Autosomal recessive limb-girdle muscular dystrophy type 2J. Review status: criteria provided, single submitter. Criteria: ACMG Guidelines, 2015. Collection method: clinical testing. Allele origin: germline.
Comment: Absent from controls (or at extremely low frequency if recessive) in Genome Aggregation Database.;Multiple lines of computational evidence support a deleterious effect on the gene or gene product.;Missense variant in a gene that has a low rate of benign missense variation.

NM_001267550.2(TTN):c.100574C>G (p.Pro33525Arg)

Genes: TTN (titin; minus strand), TTN-AS1 (TTN antisense RNA 1; plus strand). Cytogenetic location: 2q31.2.
Variant type: single nucleotide variant.
Coding change: c.100574C>G on transcript NM_001267550.2 (MANE Select); coding-DNA position 100574, C replaced by G.
Protein change: p.Pro33525Arg; replaces proline 33525 with arginine.
Molecular consequence: missense variant.
Genome position (GRCh38, 1-based): chr2:178,536,173, G>C on the plus strand (C>G on the coding strand, the complement: TTN is on the minus strand). VCF-style: chr2-178536173-G-C. GRCh37 (hg19) VCF-style: chr2-179400900-G-C.
Other names: c.95651C>G, p.Pro31884Arg (NM_001256850.1); c.73379C>G, p.Pro24460Arg (NM_003319.4); c.92870C>G, p.Pro30957Arg (NM_133378.4); c.73754C>G, p.Pro24585Arg (NM_133432.3); c.73955C>G, p.Pro24652Arg (NM_133437.4); short protein forms P24460R, P24585R, P24652R, P30957R, P31884R, P33525R.
Identifiers: ClinVar variation 5018552 (VCV005018552.2).